The following is an entry in ClinVar:

NM_000338.3(SLC12A1):c.2761+2dup

Gene: SLC12A1 (solute carrier family 12 member 1; plus strand). Cytogenetic location: 15q21.1.
Variant type: Duplication.
Coding change: c.2761+2dup on transcript NM_000338.3 (MANE Select); the canonical splice donor site of the intron after coding-DNA position 2761, one base duplicated (T; older notation c.2761+2dupT).
Molecular consequence: splice donor variant.
Genome position (GRCh38, 1-based): chr15:48,288,176, T duplicated. VCF-style (leftmost placement, unchanged base first): chr15-48288175-G-GT. GRCh37 (hg19) VCF-style: chr15-48580372-G-GT.
Other names: c.2761+2dup (NM_001384136.1, NM_001184832.2).
Identifiers: ClinVar variation 1722348 (VCV001722348.1), dbSNP rs2505190529, ClinGen allele CA2580089523.

ClinVar aggregate classification (germline): Uncertain significance (1 of 4 stars; one submission).

Submission:

Women's Health and Genetics/Laboratory Corporation of America, LabCorp
Classification: Uncertain significance. Last evaluated: 2022-09-20. Review status: criteria provided, single submitter. Criteria: LabCorp Variant Classification Summary - May 2015. Collection method: clinical testing. Allele origin: germline.
Comment: Variant summary: SLC12A1 c.2761+2dupT results in the insertion of one nucleotide located close to a canonical splice site and therefore could affect mRNA splicing, leading to a significantly altered protein sequence. Several computational tools predict a significant impact on normal splicing: three predict the variant abolishes a 5' splicing donor site, which could result in the skipping of exon 22, with an in-frame deletion of 44 amino acids. However, these predictions have yet to be confirmed by functional studies. The variant was absent in 239580 control chromosomes (gnomAD). The available data on variant occurrences in the general population are insufficient to allow any conclusion about variant significance. To our knowledge, no occurrence of c.2761+2dupT in individuals affected with Bartter Syndrome, Type 1 and no experimental evidence demonstrating its impact on protein function have been reported. No clinical diagnostic laboratories have submitted clinical-significance assessments for this variant to ClinVar after 2014. Based on the evidence outlined above, the variant was classified as VUS-possibly pathogenic.